The following is an entry in ClinVar:

NM_001322934.2(NFKB2):c.2479G>A (p.Asp827Asn)

Gene: NFKB2 (nuclear factor kappa B subunit 2; plus strand). Cytogenetic location: 10q24.32.
Variant type: single nucleotide variant.
Coding change: c.2479G>A on transcript NM_001322934.2 (MANE Select); coding-DNA position 2479, G replaced by A.
Protein change: p.Asp827Asn; replaces aspartic acid 827 with asparagine.
Molecular consequence: missense variant.
Genome position (GRCh38, 1-based): chr10:102,402,060, G>A. VCF-style: chr10-102402060-G-A. GRCh37 (hg19) VCF-style: chr10-104161817-G-A.
Other names: c.2479G>A, p.Asp827Asn (NM_001077494.3, NM_001261403.3, NM_001288724.1 and 1 more transcripts); c.2353G>A, p.Asp785Asn (NM_001322935.1); short protein forms D785N, D827N.
Identifiers: ClinVar variation 856435 (VCV000856435.9), dbSNP rs545655588, ClinGen allele CA212218797.

ClinVar aggregate classification (germline): Uncertain significance (1 of 4 stars; one submission).

Conditions:
Immunodeficiency, common variable, 10. Also called: IMMUNODEFICIENCY, COMMON VARIABLE, WITH CENTRAL ADRENAL INSUFFICIENCY; DEFICIT IN ANTERIOR PITUITARY FUNCTION AND VARIABLE IMMUNODEFICIENCY. Identifiers: MedGen C3809991, MONDO:0014260, OMIM 615577.

Allele frequency attached by ClinVar (database versions not stated): TOPMed 0.00001.

Submission:

Labcorp Genetics (formerly Invitae), Labcorp
Classification: Uncertain significance for Immunodeficiency, common variable, 10. Last evaluated: 2025-08-09. Review status: criteria provided, single submitter. Criteria: Invitae Variant Classification Sherloc (09022015). Collection method: clinical testing. Allele origin: germline.
Comment: This sequence change replaces aspartic acid, which is acidic and polar, with asparagine, which is neutral and polar, at codon 827 of the NFKB2 protein (p.Asp827Asn). This variant is present in population databases (rs545655588, gnomAD 0.01%). This variant has not been reported in the literature in individuals affected with NFKB2-related conditions. ClinVar contains an entry for this variant (Variation ID: 856435). An algorithm developed to predict the effect of missense changes on protein structure and function (PolyPhen-2) suggests that this variant is likely to be tolerated. In summary, the available evidence is currently insufficient to determine the role of this variant in disease. Therefore, it has been classified as a Variant of Uncertain Significance.